The following is an entry in ClinVar:

NM_001394062.1(MACF1):c.8902A>C (p.Asn2968His)

Gene: MACF1 (microtubule actin crosslinking factor 1; plus strand). Cytogenetic location: 1p34.3.
Variant type: single nucleotide variant.
Coding change: c.8902A>C on transcript NM_001394062.1 (MANE Select); coding-DNA position 8902, A replaced by C.
Protein change: p.Asn2968His; replaces asparagine 2968 with histidine.
Molecular consequence: missense variant. On other transcripts: intron variant (1).
Genome position (GRCh38, 1-based): chr1:39,335,490, A>C. VCF-style: chr1-39335490-A-C. GRCh37 (hg19) VCF-style: chr1-39801162-A-C.
Other names: c.4629+8137A>C (NM_012090.5); short protein forms N2968H.
Identifiers: ClinVar variation 3390212 (VCV003390212.14).

ClinVar aggregate classification (germline): Likely benign (1 of 4 stars; one submission).

gnomAD v4.1: 4 of 1,614,194 alleles (0.00025%); highest among the groups gnomAD compares: Non-Finnish European, 0.00034%; no homozygotes.

Submission:

CeGaT Center for Human Genetics Tuebingen
Classification: Likely benign. Last evaluated: 2024-12-01. Review status: criteria provided, single submitter. Criteria: CeGaT Center For Human Genetics Tuebingen Variant Classification Criteria Version 2. Collection method: clinical testing. Allele origin: germline. Affected: yes. Observed: 1 variant allele.
Comment: MACF1: BP4